The following is an entry in ClinVar:

ClinVar aggregate classification (germline): Uncertain significance (1 of 4 stars; one submission).

Submission:

GeneDx
Classification: Uncertain significance. Last evaluated: 2021-01-25. Review status: criteria provided, single submitter. Criteria: GeneDx Variant Classification Process June 2021. Collection method: clinical testing. Allele origin: germline. Affected: yes.
Comment: Has not been previously published as pathogenic or benign to our knowledge; Not observed in large population cohorts (Lek et al., 2016); In silico analysis, which includes protein predictors and evolutionary conservation, supports a deleterious effect

NM_020928.2(ZSWIM6):c.1771G>C (p.Ala591Pro)

Gene: ZSWIM6 (zinc finger SWIM-type containing 6; plus strand). Cytogenetic location: 5q12.1.
Variant type: single nucleotide variant.
Coding change: c.1771G>C on transcript NM_020928.2 (MANE Select); coding-DNA position 1771, G replaced by C.
Protein change: p.Ala591Pro; replaces alanine 591 with proline.
Molecular consequence: missense variant.
Genome position (GRCh38, 1-based): chr5:61,526,330, G>C. VCF-style: chr5-61526330-G-C. GRCh37 (hg19) VCF-style: chr5-60822157-G-C.
Other names: short protein forms A591P.
Identifiers: ClinVar variation 1311078 (VCV001311078.2), dbSNP rs2112268976, ClinGen allele CA359943821.